The following is an entry in ClinVar:

NM_000179.3(MSH6):c.2025G>A (p.Glu675=)

Gene: MSH6 (mutS homolog 6; plus strand). Cytogenetic location: 2p16.3.
Variant type: single nucleotide variant.
Coding change: c.2025G>A on transcript NM_000179.3 (MANE Select); coding-DNA position 2025, G replaced by A.
Protein change: p.Glu675=; no amino-acid change (glutamic acid 675 retained).
Molecular consequence: synonymous variant.
Genome position (GRCh38, 1-based): chr2:47,800,008, G>A. VCF-style: chr2-47800008-G-A. GRCh37 (hg19) VCF-style: chr2-48027147-G-A.
Other names: c.1635G>A, p.Glu545= (NM_001281492.2); c.1119G>A, p.Glu373= (NM_001281493.2, NM_001281494.2).
Identifiers: ClinVar variation 183869 (VCV000183869.18), dbSNP rs587779223, ClinGen allele CA009558.

ClinVar aggregate classification (germline): Benign/Likely benign. Review status: criteria provided, multiple submitters, no conflicts (2 of 4 stars). 5 submissions from 5 submitters: Benign (1); Likely benign (3). 1 of the submissions does not count toward it. Last evaluated 2025-08-13.

Conditions:
Hereditary nonpolyposis colorectal neoplasms. Identifiers: MedGen C0009405, MeSH D003123.
Hereditary cancer-predisposing syndrome. Also called: Tumor predisposition; Hereditary Cancer Syndrome; Hereditary neoplastic syndrome; Neoplastic Syndromes, Hereditary. Identifiers: Orphanet 140162, MedGen C0027672, MeSH D009386, MONDO:0015356.
Lynch syndrome 5 (LYNCH5). Also called: Colorectal cancer, hereditary nonpolyposis, type 5; Hereditary non-polyposis colorectal cancer, type 5. Identifiers: Orphanet 144, MedGen C1833477, MONDO:0013710, OMIM 614350. Disease mechanism: loss of function.

Allele frequency attached by ClinVar (database versions not stated): ExAC 0.00001; gnomAD exomes 0.00001; TOPMed 0.00001.

Submissions (5):

Labcorp Genetics (formerly Invitae), Labcorp
Classification: Likely benign for Hereditary nonpolyposis colorectal neoplasms. Last evaluated: 2025-08-13. Review status: criteria provided, single submitter. Criteria: Invitae Variant Classification Sherloc (09022015). Collection method: clinical testing. Allele origin: germline.

Myriad Genetics, Inc.
Classification: Benign for Lynch syndrome 5. Last evaluated: 2024-12-30. Review status: criteria provided, single submitter. Criteria: Myriad Autosomal Dominant, Autosomal Recessive and X-Linked Classification Criteria (2023). Collection method: clinical testing. Allele origin: unknown.
Comment: This variant is considered benign. This variant is a silent/synonymous amino acid change and it is not expected to impact splicing.

Ambry Genetics
Classification: Likely benign for Hereditary cancer-predisposing syndrome. Last evaluated: 2019-01-25. Review status: criteria provided, single submitter. Criteria: Ambry Variant Classification Scheme 2023. Collection method: clinical testing. Allele origin: germline.

Color Diagnostics, LLC DBA Color Health
Classification: Likely benign for Hereditary cancer-predisposing syndrome. Last evaluated: 2017-08-14. Review status: criteria provided, single submitter. Criteria: ACMG Guidelines, 2015. Collection method: clinical testing. Allele origin: germline.

Department of Pathology and Laboratory Medicine, Sinai Health System
Classification: Uncertain significance. Review status: no assertion criteria provided. Collection method: clinical testing. Allele origin: unknown. Affected: yes. Observed: 1 variant allele. Study: The Canadian Open Genetics Repository (COGR). Not counted in ClinVar's aggregate classification.
Comment: The MSH6 p.Glu675= variant was not identified in the literature nor was it identified in the following databases: COGR, Cosmic, MutDB, UMD-LSDB, Zhejiang Colon Cancer Database, Mismatch Repair Genes Variant Database, or the Insight Hereditary Tumors Database. The variant was identified in dbSNP (ID: rs587779223) as "With Likely benign, Uncertain significance allele", ClinVar (2x likely benign), and the Clinvitae database. The variant was identified in control databases in 3 of 245570 chromosomes at a frequency of 0.00001 (Genome Aggregation Database Feb 27, 2017). It was observed in the European population in 3 of 111114 chromosomes (freq: 0.00003), while the variant was not observed in the African, Other, Latino, Ashkenazi Jewish, East Asian, Finnish, or South Asian populations. The p.Glu675= variant is not expected to have clinical significance because it does not result in a change of amino acid and is not located in a known consensus splice site. In addition, 1 of 5 in silico or computational prediction software programs (SpliceSiteFinder, MaxEntScan, NNSPLICE, GeneSplicer, HumanSpliceFinder) predict a greater than 10% difference in splicing; this is not very predictive of pathogenicity. In summary, based on the above information the clinical significance of this variant cannot be determined with certainty at this time. This variant is classified as a variant of uncertain significance.